The following is an entry in ClinVar:

ClinVar aggregate classification (germline): Uncertain significance (1 of 4 stars; one submission).

Conditions:
Tuberous sclerosis 2 (TSC2). Identifiers: Orphanet 805, MedGen C1860707, MONDO:0013199, OMIM 613254.

Submission:

Labcorp Genetics (formerly Invitae), Labcorp
Classification: Uncertain significance for Tuberous sclerosis 2. Last evaluated: 2024-02-21. Review status: criteria provided, single submitter. Criteria: Invitae Variant Classification Sherloc (09022015). Collection method: clinical testing. Allele origin: germline.
Comment: This sequence change replaces serine, which is neutral and polar, with asparagine, which is neutral and polar, at codon 1152 of the TSC2 protein (p.Ser1152Asn). This variant is not present in population databases (gnomAD no frequency). This variant has not been reported in the literature in individuals affected with TSC2-related conditions. ClinVar contains an entry for this variant (Variation ID: 1046268). Advanced modeling of protein sequence and biophysical properties (such as structural, functional, and spatial information, amino acid conservation, physicochemical variation, residue mobility, and thermodynamic stability) performed at Invitae indicates that this missense variant is not expected to disrupt TSC2 protein function with a negative predictive value of 95%. In summary, the available evidence is currently insufficient to determine the role of this variant in disease. Therefore, it has been classified as a Variant of Uncertain Significance.

NM_000548.5(TSC2):c.3455G>A (p.Ser1152Asn)

Gene: TSC2 (TSC complex subunit 2; plus strand). Cytogenetic location: 16p13.3.
Variant type: single nucleotide variant.
Coding change: c.3455G>A on transcript NM_000548.5 (MANE Select); coding-DNA position 3455, G replaced by A.
Protein change: p.Ser1152Asn; replaces serine 1152 with asparagine.
Molecular consequence: missense variant.
Genome position (GRCh38, 1-based): chr16:2,080,222, G>A. VCF-style: chr16-2080222-G-A. GRCh37 (hg19) VCF-style: chr16-2130223-G-A.
Other names: c.3323G>A, p.Ser1108Asn (NM_001077183.3, NM_001370404.1); c.3455G>A, p.Ser1152Asn (NM_001114382.3); c.3215G>A, p.Ser1072Asn (NM_001318827.2); c.3179G>A, p.Ser1060Asn (NM_001318829.2); c.2723G>A, p.Ser908Asn (NM_001318831.2); c.3356G>A, p.Ser1119Asn (NM_001318832.2); c.3326G>A, p.Ser1109Asn (NM_001363528.2, NM_001370405.1, NM_021055.3); short protein forms S1152N, S1109N, S908N, S1108N, S1060N, S1072N, S1119N.
Identifiers: ClinVar variation 1046268 (VCV001046268.9), dbSNP rs2089960768, ClinGen allele CA394288805.
Genomic context (GRCh38, chr16:2,080,222, plus strand): 5'-CAGGGGGCCATGGTCTTCGAGTTGGCGCCCTGGACGTGCCGGCCTCCCAGTTCCTGGGCA[G>A]TGCCACTTCTCCAGGACCACGGACTGCACCAGCCGCGAAACCTGAGAAGGCCTCAGCTGG-3'
Protein context (NP_000539.2, residues 1142-1162): LDVPASQFLG[Ser1152Asn]ATSPGPRTAP